The following is an entry in ClinVar:

ClinVar aggregate classification (germline): Uncertain significance. Review status: criteria provided, multiple submitters, no conflicts (2 of 4 stars). 9 submissions from 9 submitters: Uncertain significance (9). Last evaluated 2025-12-05.

Conditions:
Congenital myopathy with fiber type disproportion. Also called: Congenital fiber-type disproportion; Congenital fiber-type disproportion myopathy. Identifiers: Orphanet 2020, MedGen C0546264, MONDO:0009711. Inheritance: all.
Cardiovascular phenotype. Identifiers: MedGen CN230736.
Cardiomyopathy (CMYO). Also called: Cardiomyopathies. Identifiers: Orphanet 167848, MedGen C0878544, MONDO:0004994, HP:0001638. Inheritance: Various modes of inheritance.
Hypertrophic cardiomyopathy 1 (CMH1). Also called: Familial hypertrophic cardiomyopathy 1; MYH7-Related Familial Hypertrophic Cardiomyopathy. Identifiers: MedGen C3495498, MONDO:0008647, OMIM 192600.
Hypertrophic cardiomyopathy. Also called: HYPERTROPHIC MYOCARDIOPATHY. Identifiers: Orphanet 217569, MedGen C0007194, MeSH D002312, MONDO:0005045, HP:0001639.

Allele frequency attached by ClinVar (database versions not stated): gnomAD exomes below 0.00001 and 0.00001; ExAC 0.00001; gnomAD 0.00002 and 0.00003; TOPMed 0.00002.
gnomAD v4.1: 26 of 1,612,834 alleles (0.0016%); highest among the groups gnomAD compares: East Asian, 0.0022%; no homozygotes.

Submissions (9):

Ambry Genetics
Classification: Uncertain significance for Cardiovascular phenotype. Last evaluated: 2025-12-05. Review status: criteria provided, single submitter. Criteria: Ambry Variant Classification Scheme 2023. Collection method: clinical testing. Allele origin: germline.
Comment: The p.R1079Q variant (also known as c.3236G>A), located in coding exon 23 of the MYH7 gene, results from a G to A substitution at nucleotide position 3236. The arginine at codon 1079 is replaced by glutamine, an amino acid with highly similar properties. This alteration has been reported in hypertrophic cardiomyopathy (HCM) and dilated cardiomyopathy (DCM) cohorts, and has been reported in combination with alterations in other cardiac-related genes (Waldm&uuml;ller S et al. Eur J Heart Fail, 2011 Nov;13:1185-92; Ebrille E et al. Glob Cardiol Sci Pract, 2013 Dec;2013:405-8; Alfares AA et al. Genet Med, 2015 Nov;17:880-8; Cecconi M et al. Int J Mol Med, 2016 Oct;38:1111-24; P&eacute;rez-S&aacute;nchez I et al. Rev Esp Cardiol (Engl Ed), 2018 Mar;71:146-154). This alteration has also been reported in families with HCM, and reported in both affected and unaffected family members (Girolami F et al. J Am Coll Cardiol, 2010 Apr;55:1444-53; Burns C et al. Circ Cardiovasc Genet, 2017 Aug;10:). This variant has been reported in the Framingham Heart Study cohort; however, clinical details were limited (Bick AG et al. Am J Hum Genet, 2012 Sep;91:513-9). This amino acid position is not well conserved in available vertebrate species. In addition, the in silico prediction for this alteration is inconclusive. Since supporting evidence is limited at this time, the clinical significance of this alteration remains unclear.

Labcorp Genetics (formerly Invitae), Labcorp
Classification: Uncertain significance for Hypertrophic cardiomyopathy. Last evaluated: 2025-07-16. Review status: criteria provided, single submitter. Criteria: Invitae Variant Classification Sherloc (09022015). Collection method: clinical testing. Allele origin: germline.
Comment: This sequence change replaces arginine, which is basic and polar, with glutamine, which is neutral and polar, at codon 1079 of the MYH7 protein (p.Arg1079Gln). This variant is present in population databases (rs727504342, gnomAD 0.002%). This missense change has been observed in individual(s) with dilated cardiomyopathy and/or hypertrophic cardiomyopathy (PMID: 20359594, 21750094, 24749114, 25611685, 27532257, 27600940, 28687478, 28790153; internal data). ClinVar contains an entry for this variant (Variation ID: 177826). Invitae Evidence Modeling of protein sequence and biophysical properties (such as structural, functional, and spatial information, amino acid conservation, physicochemical variation, residue mobility, and thermodynamic stability) indicates that this missense variant is not expected to disrupt MYH7 protein function with a negative predictive value of 95%. In summary, the available evidence is currently insufficient to determine the role of this variant in disease. Therefore, it has been classified as a Variant of Uncertain Significance.

All of Us Research Program, National Institutes of Health
Classification: Uncertain significance for Cardiomyopathy. Last evaluated: 2024-07-20. Review status: criteria provided, single submitter. Criteria: ACMG Guidelines, 2015. Collection method: clinical testing. Allele origin: germline. Inheritance: Autosomal dominant inheritance. Observed: 9 variant alleles, 9 heterozygotes.
Comment: This missense variant replaces arginine with glutamine at codon 1079 of the MYH7 protein. Computational prediction is inconclusive regarding the impact of this variant on protein structure and function (internally defined REVEL score threshold 0.5 < inconclusive < 0.7, PMID: 27666373). To our knowledge, functional studies have not been reported for this variant. This variant has been reported in several unrelated individuals affected with hypertrophic cardiomyopathy (PMID: 25611685, 27600940, 27532257, 33495597), dilated cardiomyopathy (PMID: 21750094), or systemic amyloidosis with a cardiac involvement (PMID: 24749114). This variant has also been reported in two families with hypertrophic cardiomyopathy, including three affected carriers and three unaffected carriers (PMID: 20359594, 28687478, 28790153). This variant has been identified in 2/282774 chromosomes in the general population by the Genome Aggregation Database (gnomAD). The available evidence is insufficient to determine the role of this variant in disease conclusively. Therefore, this variant is classified as a Variant of Uncertain Significance.

This study involves interpretation of variants in research participants for the purpose of population health screening. Participant phenotype was not available at the time of variant classification. Additional details can be found in publication PMID: 35346344, PMCID: PMC8962531

Color Diagnostics, LLC DBA Color Health
Classification: Uncertain significance for Cardiomyopathy. Last evaluated: 2024-05-20. Review status: criteria provided, single submitter. Criteria: ACMG Guidelines, 2015. Collection method: clinical testing. Allele origin: germline.
Comment: This missense variant replaces arginine with glutamine at codon 1079 of the MYH7 protein. Computational prediction tools indicate that this variant has a neutral impact on protein structure and function. To our knowledge, functional studies have not been reported for this variant. This variant has been reported in several unrelated individuals affected with hypertrophic cardiomyopathy (PMID: 25611685, 27600940, 27532257, 33495597, 38489124), dilated cardiomyopathy (PMID: 21750094), or systemic amyloidosis with cardiac involvement (PMID: 24749114). This variant has also been reported in two families with hypertrophic cardiomyopathy, including three affected carriers and three unaffected carriers (PMID: 20359594, 28687478, 28790153). This variant has been identified in 2/282774 chromosomes in the general population by the Genome Aggregation Database (gnomAD). The available evidence is insufficient to determine the role of this variant in disease conclusively. Therefore, this variant is classified as a Variant of Uncertain Significance.

Blueprint Genetics
Classification: Uncertain significance. Last evaluated: 2022-09-05. Review status: criteria provided, single submitter. Criteria: ACMG Guidelines, 2015. Collection method: clinical testing. Allele origin: germline.

Centre for Mendelian Genomics, University Medical Centre Ljubljana
Classification: Uncertain significance for Congenital myopathy 4A, autosomal dominant. Last evaluated: 2019-09-22. Review status: criteria provided, single submitter. Criteria: ACMG Guidelines, 2015. Collection method: clinical testing. Allele origin: unknown. Affected: yes.
Comment: This variant was classified as: Uncertain significance. The available evidence favors the pathogenic nature of this variant, however the currently available data is insufficient to conclusively support its pathogenic nature. Thus this variant is classified as Uncertain significance - favor pathogenic. The following ACMG criteria were applied in classifying this variant: PM2.

Laboratory for Molecular Medicine, Mass General Brigham Personalized Medicine
Classification: Uncertain significance. Last evaluated: 2019-07-03. Review status: criteria provided, single submitter. Criteria: LMM Criteria. Collection method: clinical testing. Allele origin: germline. Observed: 6 variant alleles.
Comment: The p.Arg1079Gln variant in MYH7 has been identified in 3 individuals with cardiomyopathy (1 with DCM and 2 with HCM) and segregated with disease in one affected family member (WaldmÃ¼ller 2011, Cecconi 2016, LMM data). This variant has been identified in 2/129124 of European chromosomes by gnomAD and has been reported in ClinVar (Variation ID:177826). Computational prediction tools and conservation analysis suggest that the p.Arg1079Gln variant may not impact the protein, though this information is not predictive enough to rule out pathogenicity. In summary, the clinical significance of the p.Arg1079Gln variant is uncertain. ACMG/AMP Criteria applied: PM2, PS4_Supporting, BP4.

CHEO Genetics Diagnostic Laboratory, Children's Hospital of Eastern Ontario
Classification: Uncertain significance for Cardiomyopathy. Last evaluated: 2017-11-08. Review status: criteria provided, single submitter. Criteria: ACMG Guidelines, 2015. Collection method: clinical testing. Allele origin: germline.

Agnes Ginges Centre for Molecular Cardiology, Centenary Institute
Classification: Uncertain significance for Hypertrophic cardiomyopathy 1. Last evaluated: 2017-04-10. Review status: criteria provided, single submitter. Criteria: Agnes Ginges Centre for Molecular Cardiology criteria (2015). Collection method: research. Allele origin: germline. Inheritance: Autosomal dominant inheritance. Affected: yes.
Comment: This MYH7 Arg1079Gln variant is a rare occurrence in the general population; it is not observed in the 1000 genomes project, and is a singleton event in the Exome Aggregation Consortium dataset (MAF= 0.000008). One of the additional variants (MYBPC3 Gln969Ter) is well described as disease-causing. The MYH7 Arg1079Gln has been identified in a general population (Bick AG, et al., 2012) and 2 HCM probands (Alfares AA et al., 2015; Cecconi M et al., 2016), no further evidence is provided in these studies to support a pathogenic role. This variant has also been identified in one DCM patient (WaldmÃ¼ller S, et al., 2011) and double heterozygous amyloidosis with HCM case (Ebrille E, et al., 2013). Predictions from in silico tools are contradictory with SIFT and MutationTaster predicting the amino acid substitution to be "deleterious" and "disease-causing". PolyPhen-2 predicts the impact of this variant to be "benign" (note: no prediction is made by PolyPhen-HCM). Due to limited segregation analysis due to small number of informative individuals, and co-occurrence with a MYBPC3 variant that explains the disease phenotype, we classify this MYH7 Arg1079Gln variant as one of "uncertain significance".

Literature cited by the submitters: PubMed 20359594 (cited by 6 submitters); PubMed 21750094 (cited by 6 submitters); PubMed 22958901 (cited by Ambry Genetics and Agnes Ginges Centre for Molecular Cardiology, Centenary Institute); PubMed 24749114 (cited by 5 submitters); PubMed 25611685 (cited by 5 submitters); PubMed 27532257 (cited by 5 submitters); PubMed 27600940 (cited by 6 submitters); PubMed 28687478 (cited by 4 submitters); PubMed 28771489 (cited by Ambry Genetics); PubMed 28790153 (cited by 5 submitters); PubMed 33495597 (cited by All of Us Research Program, National Institutes of Health and Color Diagnostics, LLC DBA Color Health); PubMed 38489124 (cited by Color Diagnostics, LLC DBA Color Health).

NM_000257.4(MYH7):c.3236G>A (p.Arg1079Gln)

Gene: MYH7 (myosin heavy chain 7; minus strand). Cytogenetic location: 14q11.2.
Variant type: single nucleotide variant.
Coding change: c.3236G>A on transcript NM_000257.4 (MANE Select); coding-DNA position 3236, G replaced by A.
Protein change: p.Arg1079Gln; replaces arginine 1079 with glutamine.
Molecular consequence: missense variant.
Genome position (GRCh38, 1-based): chr14:23,422,189, C>T on the plus strand (G>A on the coding strand, the complement: MYH7 is on the minus strand). VCF-style: chr14-23422189-C-T. GRCh37 (hg19) VCF-style: chr14-23891398-C-T.
Other names: short protein forms R1079Q.
Identifiers: ClinVar variation 177826 (VCV000177826.26), dbSNP rs727504342, ClinGen allele CA013473.